The following is an entry in ClinVar:

ClinVar aggregate classification (germline): Uncertain significance (1 of 4 stars; one submission).

Allele frequency attached by ClinVar (database versions not stated): gnomAD 0.00001; TOPMed 0.00001.
gnomAD v4.1: 1 of 1,614,128 alleles (0.000062%); highest among the groups gnomAD compares: African/African-American, 0.0013%; no homozygotes.

Submission:

GeneDx
Classification: Uncertain significance. Last evaluated: 2023-03-31. Review status: criteria provided, single submitter. Criteria: GeneDx Variant Classification Process June 2021. Collection method: clinical testing. Allele origin: germline. Affected: yes.
Comment: Not observed at significant frequency in large population cohorts (gnomAD); In silico analysis supports that this missense variant has a deleterious effect on protein structure/function; Has not been previously published as pathogenic or benign to our knowledge

NM_001099274.3(TINF2):c.136C>T (p.Pro46Ser)

Genes: TINF2 (TERF1 interacting nuclear factor 2; minus strand), LOC130055403 (ATAC-STARR-seq lymphoblastoid active region 8199; plus strand). Cytogenetic location: 14q12.
Variant type: single nucleotide variant.
Coding change: c.136C>T on transcript NM_001099274.3 (MANE Select); coding-DNA position 136, C replaced by T.
Protein change: p.Pro46Ser; replaces proline 46 with serine.
Molecular consequence: missense variant.
Genome position (GRCh38, 1-based): chr14:24,242,197, G>A on the plus strand (C>T on the coding strand, the complement: TINF2 is on the minus strand). VCF-style: chr14-24242197-G-A. GRCh37 (hg19) VCF-style: chr14-24711403-G-A.
Other names: c.136C>T, p.Pro46Ser (NM_001363668.2, NM_012461.3); short protein forms P46S.
Identifiers: ClinVar variation 2581871 (VCV002581871.1), dbSNP rs1287086200, ClinGen allele CA389235524.